The following is an entry in ClinVar:

NM_004304.5(ALK):c.3450+6A>G

Gene: ALK (ALK receptor tyrosine kinase; minus strand). Cytogenetic location: 2p23.2.
Variant type: single nucleotide variant.
Coding change: c.3450+6A>G on transcript NM_004304.5 (MANE Select); 6 bases into the intron after coding-DNA position 3450, A replaced by G.
Molecular consequence: intron variant.
Genome position (GRCh38, 1-based): chr2:29,222,511, T>C on the plus strand (A>G on the coding strand, the complement: ALK is on the minus strand). VCF-style: chr2-29222511-T-C. GRCh37 (hg19) VCF-style: chr2-29445377-T-C.
Other names: c.246+6A>G (NM_001353765.2).
Identifiers: ClinVar variation 3020158 (VCV003020158.3), dbSNP rs745980716, ClinGen allele CA1593953.

ClinVar aggregate classification (germline): Uncertain significance (1 of 4 stars; one submission).

Conditions:
Neuroblastoma, susceptibility to, 3. Also called: ALK-Related Neuroblastic Tumor Susceptibility. Identifiers: Orphanet 635, MedGen C2751681, MONDO:0013083, OMIM 613014.

Allele frequency attached by ClinVar (database versions not stated): gnomAD exomes below 0.00001; ExAC 0.00001.
gnomAD v4.1: 2 of 1,614,126 alleles (0.00012%); highest among the groups gnomAD compares: Admixed American, 0.0033%; no homozygotes.

Submission:

Labcorp Genetics (formerly Invitae), Labcorp
Classification: Uncertain significance for Neuroblastoma, susceptibility to, 3. Last evaluated: 2023-09-15. Review status: criteria provided, single submitter. Criteria: Invitae Variant Classification Sherloc (09022015). Collection method: clinical testing. Allele origin: germline.
Comment: This variant has not been reported in the literature in individuals affected with ALK-related conditions. This sequence change falls in intron 21 of the ALK gene. It does not directly change the encoded amino acid sequence of the ALK protein. It affects a nucleotide within the consensus splice site. This variant is present in population databases (rs745980716, gnomAD 0.003%). Variants that disrupt the consensus splice site are a relatively common cause of aberrant splicing (PMID: 17576681, 9536098). Algorithms developed to predict the effect of sequence changes on RNA splicing suggest that this variant is not likely to affect RNA splicing. In summary, the available evidence is currently insufficient to determine the role of this variant in disease. Therefore, it has been classified as a Variant of Uncertain Significance.

Literature cited by the submitters: PubMed 17576681; PubMed 9536098.